The following is an entry in ClinVar:

ClinVar aggregate classification (germline): Conflicting classifications of pathogenicity. Review status: criteria provided, conflicting classifications (1 of 4 stars). 2 submissions from 2 submitters: Likely pathogenic (1); Uncertain significance (1). Last evaluated 2023-06-28.

Conditions:
Jeune thoracic dystrophy. Also called: Short-rib thoracic dysplasia; Infantile thoracic dystrophy; Thoracic pelvic phalangeal dystrophy; Jeune's syndrome; Chondroectodermal dysplasia-like syndrome; Jeune syndrome. Identifiers: Orphanet 474, MedGen C0265275, MONDO:0018770.
Nephronophthisis. Also called: Juvenile Nephronophthisis. Identifiers: Orphanet 655, MedGen C0687120, MONDO:0019005, HP:0000090.
TTC21B-related disorder. Also called: TTC21B-related disorders; TTC21B-related condition.

Allele frequency attached by ClinVar (database versions not stated): gnomAD 0.00001; gnomAD exomes 0.00001 and 0.00003; TOPMed 0.00001; ExAC 0.00004.
gnomAD v4.1: 5 of 1,612,934 alleles (0.00031%); highest among the groups gnomAD compares: East Asian, 0.011%; no homozygotes.

Submissions (2):

Blueprint Genetics
Classification: Likely pathogenic for TTC21B-related disorders. Last evaluated: 2023-06-28. Review status: criteria provided, single submitter. Criteria: ACMG Guidelines, 2015. Collection method: clinical testing. Allele origin: germline. Affected: yes. Observed: 4 variant alleles.

Labcorp Genetics (formerly Invitae), Labcorp
Classification: Uncertain significance for Jeune thoracic dystrophy; Nephronophthisis. Last evaluated: 2021-09-24. Review status: criteria provided, single submitter. Criteria: Invitae Variant Classification Sherloc (09022015). Collection method: clinical testing. Allele origin: germline.
Comment: This sequence change replaces leucine with valine at codon 443 of the TTC21B protein (p.Leu443Val). The leucine residue is moderately conserved and there is a small physicochemical difference between leucine and valine. This variant is present in population databases (rs772177785, ExAC 0.06%). This variant has not been reported in the literature in individuals with TTC21B-related conditions. Algorithms developed to predict the effect of missense changes on protein structure and function (SIFT, PolyPhen-2, Align-GVGD) all suggest that this variant is likely to be tolerated, but these predictions have not been confirmed by published functional studies and their clinical significance is uncertain. Algorithms developed to predict the effect of sequence changes on RNA splicing suggest that this variant may create or strengthen a splice site, but this prediction has not been confirmed by published transcriptional studies. In summary, the available evidence is currently insufficient to determine the role of this variant in disease. Therefore, it has been classified as a Variant of Uncertain Significance.

NM_024753.5(TTC21B):c.1327C>G (p.Leu443Val)

Gene: TTC21B (tetratricopeptide repeat domain 21B; minus strand). Cytogenetic location: 2q24.3.
Variant type: single nucleotide variant.
Coding change: c.1327C>G on transcript NM_024753.5 (MANE Select); coding-DNA position 1327, C replaced by G.
Protein change: p.Leu443Val; replaces leucine 443 with valine.
Molecular consequence: missense variant.
Genome position (GRCh38, 1-based): chr2:165,929,194, G>C on the plus strand (C>G on the coding strand, the complement: TTC21B is on the minus strand). VCF-style: chr2-165929194-G-C. GRCh37 (hg19) VCF-style: chr2-166785704-G-C.
Other names: short protein forms L443V.
Identifiers: ClinVar variation 1224482 (VCV001224482.7), dbSNP rs772177785, ClinGen allele CA1942176.